The following is an entry in ClinVar:

ClinVar aggregate classification (germline): Uncertain significance. Review status: criteria provided, multiple submitters, no conflicts (2 of 4 stars). 2 submissions from 2 submitters: Uncertain significance (2). Last evaluated 2026-01-07.

Conditions:
Cardiovascular phenotype. Identifiers: MedGen CN230736.

Allele frequency attached by ClinVar (database versions not stated): gnomAD exomes below 0.00001.
gnomAD v4.1: 4 of 1,211,535 alleles (0.00033%); highest among the groups gnomAD compares: Non-Finnish European, 0.00045%; no homozygotes.

Submissions (2):

Labcorp Genetics (formerly Invitae), Labcorp
Classification: Uncertain significance. Last evaluated: 2026-01-07. Review status: criteria provided, single submitter. Criteria: Invitae Variant Classification Sherloc (09022015). Collection method: clinical testing. Allele origin: germline.
Comment: This sequence change replaces leucine, which is neutral and non-polar, with proline, which is neutral and non-polar, at codon 246 of the BGN protein (p.Leu246Pro). This variant is not present in population databases (gnomAD no frequency). This variant has not been reported in the literature in individuals affected with BGN-related conditions. ClinVar contains an entry for this variant (Variation ID: 2626582). Invitae Evidence Modeling of protein sequence and biophysical properties (such as structural, functional, and spatial information, amino acid conservation, physicochemical variation, residue mobility, and thermodynamic stability) indicates that this missense variant is not expected to disrupt BGN protein function with a negative predictive value of 80%. In summary, the available evidence is currently insufficient to determine the role of this variant in disease. Therefore, it has been classified as a Variant of Uncertain Significance.

Ambry Genetics
Classification: Uncertain significance for Cardiovascular phenotype. Last evaluated: 2023-06-27. Review status: criteria provided, single submitter. Criteria: Ambry Variant Classification Scheme 2023. Collection method: clinical testing. Allele origin: germline.
Comment: The p.L246P variant (also known as c.737T>C), located in coding exon 5 of the BGN gene, results from a T to C substitution at nucleotide position 737. The leucine at codon 246 is replaced by proline, an amino acid with similar properties. This amino acid position is well conserved in available vertebrate species. In addition, this alteration is predicted to be tolerated by in silico analysis. Since supporting evidence is limited at this time, the clinical significance of this alteration remains unclear.

NM_001711.6(BGN):c.737T>C (p.Leu246Pro)

Gene: BGN (biglycan; plus strand). Cytogenetic location: Xq28.
Variant type: single nucleotide variant.
Coding change: c.737T>C on transcript NM_001711.6 (MANE Select); coding-DNA position 737, T replaced by C.
Protein change: p.Leu246Pro; replaces leucine 246 with proline.
Molecular consequence: missense variant.
Genome position (GRCh38, 1-based): chrX:153,506,890, T>C. VCF-style: chrX-153506890-T-C. GRCh37 (hg19) VCF-style: chrX-152772348-T-C.
Other names: short protein forms L246P.
Identifiers: ClinVar variation 2626582 (VCV002626582.3), dbSNP rs2521219625, ClinGen allele CA415071217.